The following is an entry in ClinVar:

ClinVar aggregate classification (germline): Uncertain significance (1 of 4 stars; one submission).

gnomAD v4.1: 9 of 1,614,244 alleles (0.00056%); highest among the groups gnomAD compares: Middle Eastern, 0.016%; no homozygotes.

Submission:

Labcorp Genetics (formerly Invitae), Labcorp
Classification: Uncertain significance. Last evaluated: 2024-10-29. Review status: criteria provided, single submitter. Criteria: Invitae Variant Classification Sherloc (09022015). Collection method: clinical testing. Allele origin: germline.
Comment: This sequence change replaces glycine, which is neutral and non-polar, with aspartic acid, which is acidic and polar, at codon 64 of the SLC7A14 protein (p.Gly64Asp). This variant is not present in population databases (gnomAD no frequency). This variant has not been reported in the literature in individuals affected with SLC7A14-related conditions. ClinVar contains an entry for this variant (Variation ID: 2001735). An algorithm developed to predict the effect of missense changes on protein structure and function (PolyPhen-2) suggests that this variant is likely to be disruptive. In summary, the available evidence is currently insufficient to determine the role of this variant in disease. Therefore, it has been classified as a Variant of Uncertain Significance.

NM_020949.3(SLC7A14):c.191G>A (p.Gly64Asp)

Genes: SLC7A14 (solute carrier family 7 member 14; minus strand), SLC7A14-AS1 (SLC7A14 antisense RNA 1; plus strand). Cytogenetic location: 3q26.2.
Variant type: single nucleotide variant.
Coding change: c.191G>A on transcript NM_020949.3 (MANE Select); coding-DNA position 191, G replaced by A.
Protein change: p.Gly64Asp; replaces glycine 64 with aspartic acid.
Molecular consequence: missense variant.
Genome position (GRCh38, 1-based): chr3:170,526,746, C>T on the plus strand (G>A on the coding strand, the complement: SLC7A14 is on the minus strand). VCF-style: chr3-170526746-C-T. GRCh37 (hg19) VCF-style: chr3-170244535-C-T.
Other names: short protein forms G64D.
Identifiers: ClinVar variation 2001735 (VCV002001735.4), dbSNP rs140384927, ClinGen allele CA355520043.
Genomic context (GRCh38, chr3:170,526,746, plus strand): 5'-CCTGCCATTTCCTTGGCCACCAGGCCAGAGACCACATACATGCCAGTGCCCACACAGCTG[C>T]CAACGCCAAGAGAGATGAGGTCCACTGTGGTGAGTACCTGGGCTAGCTTAGTTCCATGTG-3'
Protein context (NP_066000.2, residues 54-74): TTVDLISLGV[Gly64Asp]SCVGTGMYVV